The following is an entry in ClinVar:

NM_020928.2(ZSWIM6):c.1165A>C (p.Asn389His)

Gene: ZSWIM6 (zinc finger SWIM-type containing 6; plus strand). Cytogenetic location: 5q12.1.
Variant type: single nucleotide variant.
Coding change: c.1165A>C on transcript NM_020928.2 (MANE Select); coding-DNA position 1165, A replaced by C.
Protein change: p.Asn389His; replaces asparagine 389 with histidine.
Molecular consequence: missense variant.
Genome position (GRCh38, 1-based): chr5:61,490,917, A>C. VCF-style: chr5-61490917-A-C. GRCh37 (hg19) VCF-style: chr5-60786744-A-C.
Other names: short protein forms N389H.
Identifiers: ClinVar variation 1521700 (VCV001521700.8), dbSNP rs1298020865, ClinGen allele CA359942376.
Genomic context (GRCh38, chr5:61,490,917, plus strand): 5'-CAAGAACAGGTTAAACTGTTCCTTTCCCAGGGCGGGTACCACGGATCAGGGAAGCAGCTT[A>C]ATTTGCTCTTTGCAAAGGTATGATTGTCTATTTCTAAAGAAATATTCTAAATATATACAT-3'
Protein context (NP_065979.1, residues 379-399): GGYHGSGKQL[Asn389His]LLFAKVREML

ClinVar aggregate classification (germline): Uncertain significance (1 of 4 stars; one submission).

Allele frequency attached by ClinVar (database versions not stated): gnomAD exomes below 0.00001; gnomAD 0.00001; TOPMed 0.00002.
gnomAD v4.1: 3 of 1,536,290 alleles (0.0002%); highest among the groups gnomAD compares: Non-Finnish European, 0.000088%; no homozygotes.

Submission:

Labcorp Genetics (formerly Invitae), Labcorp
Classification: Uncertain significance. Last evaluated: 2023-08-17. Review status: criteria provided, single submitter. Criteria: Invitae Variant Classification Sherloc (09022015). Collection method: clinical testing. Allele origin: germline.
Comment: Advanced modeling of protein sequence and biophysical properties (such as structural, functional, and spatial information, amino acid conservation, physicochemical variation, residue mobility, and thermodynamic stability) performed at Invitae indicates that this missense variant is not expected to disrupt ZSWIM6 protein function. In summary, the available evidence is currently insufficient to determine the role of this variant in disease. Therefore, it has been classified as a Variant of Uncertain Significance. This sequence change replaces asparagine, which is neutral and polar, with histidine, which is basic and polar, at codon 389 of the ZSWIM6 protein (p.Asn389His). This variant is not present in population databases (gnomAD no frequency). This variant has not been reported in the literature in individuals affected with ZSWIM6-related conditions. ClinVar contains an entry for this variant (Variation ID: 1521700).